The following is an entry in ClinVar:

NM_000264.5(PTCH1):c.4273T>C (p.Ser1425Pro)

Gene: PTCH1 (patched 1; minus strand). Cytogenetic location: 9q22.32.
Variant type: single nucleotide variant.
Coding change: c.4273T>C on transcript NM_000264.5 (MANE Select); coding-DNA position 4273, T replaced by C.
Protein change: p.Ser1425Pro; replaces serine 1425 with proline.
Molecular consequence: missense variant. On other transcripts: non-coding transcript variant (1).
Genome position (GRCh38, 1-based): chr9:95,446,983, A>G on the plus strand (T>C on the coding strand, the complement: PTCH1 is on the minus strand). VCF-style: chr9-95446983-A-G. GRCh37 (hg19) VCF-style: chr9-98209265-A-G.
Other names: c.4075T>C, p.Ser1359Pro (NM_001083602.3); c.4270T>C, p.Ser1424Pro (NM_001083603.3); c.3820T>C, p.Ser1274Pro (NM_001083604.3, NM_001083605.3, NM_001083606.3 and 1 more transcripts); c.4117T>C, p.Ser1373Pro (NM_001354918.2); short protein forms S1274P, S1424P, S1373P, S1425P, S1359P.
Identifiers: ClinVar variation 3427260 (VCV003427260.2).

ClinVar aggregate classification (germline): Uncertain significance. Review status: criteria provided, multiple submitters, no conflicts (2 of 4 stars). 2 submissions from 2 submitters: Uncertain significance (2). Last evaluated 2026-08-06.

Conditions:
Holoprosencephaly 7 (HPE7). Identifiers: Orphanet 2162, MedGen C1835820, MONDO:0012562, OMIM 610828.
Hereditary cancer-predisposing syndrome. Also called: Tumor predisposition; Neoplastic Syndromes, Hereditary; Hereditary Cancer Syndrome; Hereditary neoplastic syndrome. Identifiers: Orphanet 140162, MedGen C0027672, MeSH D009386, MONDO:0015356.

Submissions (2):

OLLIN Analises Genomicas, OLLIN
Classification: Uncertain significance for Holoprosencephaly 7. Last evaluated: 2026-08-06. Review status: criteria provided, single submitter. Criteria: ACMG Guidelines 2015 PMID 25741868. Collection method: clinical testing. Allele origin: germline.
Comment: This missense variant, located in exon 23 (of 24), is absent from gnomAD and has not been identified in the literature. However, it has been reported in ClinVar (accession VCV003427260.1). In silico analysis is inconclusive regarding the impact of this variant. According to the currently available evidence, this variant has been classified as uncertain significance (PM2_P).

Ambry Genetics
Classification: Uncertain significance for Hereditary cancer-predisposing syndrome. Last evaluated: 2024-08-17. Review status: criteria provided, single submitter. Criteria: Ambry Variant Classification Scheme 2023. Collection method: clinical testing. Allele origin: germline.
Comment: The p.S1425P variant (also known as c.4273T>C), located in coding exon 23 of the PTCH1 gene, results from a T to C substitution at nucleotide position 4273. The serine at codon 1425 is replaced by proline, an amino acid with similar properties. This amino acid position is conserved. In addition, this alteration is predicted to be tolerated by in silico analysis. Based on the available evidence, the clinical significance of this variant remains unclear.